The following is an entry in ClinVar:

ClinVar aggregate classification (germline): Uncertain significance (1 of 4 stars; one submission).

Conditions:
Hereditary cancer-predisposing syndrome. Also called: Neoplastic Syndromes, Hereditary; Tumor predisposition; Hereditary Cancer Syndrome; Hereditary neoplastic syndrome. Identifiers: Orphanet 140162, MedGen C0027672, MeSH D009386, MONDO:0015356.

Submission:

Ambry Genetics
Classification: Uncertain significance for Hereditary cancer-predisposing syndrome. Last evaluated: 2026-05-23. Review status: criteria provided, single submitter. Criteria: Ambry Variant Classification Scheme 2023. Collection method: clinical testing. Allele origin: germline.
Comment: The p.C29S variant (also known as c.85T>A), located in coding exon 1 of the CDKN1B gene, results from a T to A substitution at nucleotide position 85. The cysteine at codon 29 is replaced by serine, an amino acid with dissimilar properties. This amino acid position is conserved. In addition, this alteration is predicted to be deleterious by in silico analysis. Based on the available evidence, the clinical significance of this variant remains unclear.

NM_004064.5(CDKN1B):c.85T>A (p.Cys29Ser)

Gene: CDKN1B (cyclin dependent kinase inhibitor 1B; plus strand). Cytogenetic location: 12p13.1.
Variant type: single nucleotide variant.
Coding change: c.85T>A on transcript NM_004064.5 (MANE Select); coding-DNA position 85, T replaced by A.
Protein change: p.Cys29Ser; replaces cysteine 29 with serine.
Molecular consequence: missense variant.
Genome position (GRCh38, 1-based): chr12:12,717,924, T>A. VCF-style: chr12-12717924-T-A. GRCh37 (hg19) VCF-style: chr12-12870858-T-A.
Other names: short protein forms C29S.
Identifiers: ClinVar variation 4868633 (VCV004868633.1).
Genomic context (GRCh38, chr12:12,717,924, plus strand): 5'-GGGAGCCCTAGCCTGGAGCGGATGGACGCCAGGCAGGCGGAGCACCCCAAGCCCTCGGCC[T>A]GCAGGAACCTCTTCGGCCCGGTGGACCACGAAGAGTTAACCCGGGACTTGGAGAAGCACT-3'
Protein context (NP_004055.1, residues 19-39): RQAEHPKPSA[Cys29Ser]RNLFGPVDHE